The following is an entry in ClinVar:

ClinVar aggregate classification (germline): Uncertain significance (1 of 4 stars; one submission).

Conditions:
Ehlers-Danlos syndrome, periodontal type 1. Identifiers: Orphanet 75392, MedGen C4551499, MONDO:0020684, OMIM 130080.

gnomAD v4.1: 2 of 1,614,006 alleles (0.00012%); highest among the groups gnomAD compares: Non-Finnish European, 0.00017%; no homozygotes.

Submission:

OLLIN Analises Genomicas, OLLIN
Classification: Uncertain significance for Ehlers-Danlos syndrome, periodontal type 1. Last evaluated: 2024-12-30. Review status: criteria provided, single submitter. Criteria: ACMG Guidelines 2015 PMID 25741868. Collection method: clinical testing. Allele origin: germline. Affected: yes. Observed: 1 variant allele.
Comment: The missense variant (chr12:7080784 G > T), located in exon 11 (of 11), is reported in gnomAD v4.1 non-UKB with an allele frequency of 0.0003% and is not reported in ClinVar, nor was it found in the scientific literature. In silico analysis is inconclusive regarding the impact of this variant. Based on currently available evidence, this variant has been classified as VUS (without applicable criteria).

NM_001733.7(C1R):c.1866C>A (p.Asn622Lys)

Gene: C1R (complement C1r; minus strand). Cytogenetic location: 12p13.31.
Variant type: single nucleotide variant.
Coding change: c.1866C>A on transcript NM_001733.7 (MANE Select); coding-DNA position 1866, C replaced by A.
Protein change: p.Asn622Lys; replaces asparagine 622 with lysine.
Molecular consequence: missense variant.
Genome position (GRCh38, 1-based): chr12:7,080,784, G>T on the plus strand (C>A on the coding strand, the complement: C1R is on the minus strand). VCF-style: chr12-7080784-G-T. GRCh37 (hg19) VCF-style: chr12-7188088-G-T.
Other names: c.1908C>A, p.Asn636Lys (NM_001354346.2); short protein forms N622K, N636K.
Identifiers: ClinVar variation 4814118 (VCV004814118.1).
Genomic context (GRCh38, chr12:7,080,784, plus strand): 5'-GTGTCCAGCACAGAACATGTTTTGAGAGAACACATCCATCCTATTCTTTCCCCGGAGCCA[G>T]TTCTCACAGGCCTGTGGATTAGCTACGGGCAGACGGACAAACCTGAGGTCATGAGCAATC-3'
Protein context (NP_001724.4, residues 612-632): LPVANPQACE[Asn622Lys]WLRGKNRMDV